The following is an entry in ClinVar:

ClinVar aggregate classification (germline): Uncertain significance (1 of 4 stars; one submission).

Conditions:
Arrhythmogenic right ventricular dysplasia 13. Also called: Arrhythmogenic right ventricular dysplasia, familial, 13; ARRHYTHMOGENIC RIGHT VENTRICULAR CARDIOMYOPATHY 13. Identifiers: MedGen C3810138, MONDO:0000908, OMIM 615616.

gnomAD v4.1: 23 of 1,601,400 alleles (0.0014%); highest among the groups gnomAD compares: South Asian, 0.0022%; no homozygotes.

Submission:

Labcorp Genetics (formerly Invitae), Labcorp
Classification: Uncertain significance for Arrhythmogenic right ventricular dysplasia 13. Last evaluated: 2025-11-24. Review status: criteria provided, single submitter. Criteria: Invitae Variant Classification Sherloc (09022015). Collection method: clinical testing. Allele origin: germline.
Comment: This sequence change replaces arginine, which is basic and polar, with tryptophan, which is neutral and slightly polar, at codon 628 of the CTNNA3 protein (p.Arg628Trp). This variant is present in population databases (rs149081490, gnomAD 0.003%). This missense change has been observed in individual(s) with dilated cardiomyopathy (PMID: 30847666). Experimental studies and prediction algorithms are not available or were not evaluated, and the functional significance of this variant is currently unknown. In summary, the available evidence is currently insufficient to determine the role of this variant in disease. Therefore, it has been classified as a Variant of Uncertain Significance.

Literature cited by the submitters: PubMed 30847666.

NM_013266.4(CTNNA3):c.1882C>T (p.Arg628Trp)

Gene: CTNNA3 (catenin alpha 3; minus strand). Cytogenetic location: 10q21.3.
Variant type: single nucleotide variant.
Coding change: c.1882C>T on transcript NM_013266.4 (MANE Select); coding-DNA position 1882, C replaced by T.
Protein change: p.Arg628Trp; replaces arginine 628 with tryptophan.
Molecular consequence: missense variant.
Genome position (GRCh38, 1-based): chr10:66,280,472, G>A on the plus strand (C>T on the coding strand, the complement: CTNNA3 is on the minus strand). VCF-style: chr10-66280472-G-A. GRCh37 (hg19) VCF-style: chr10-68040230-G-A.
Other names: c.1882C>T, p.Arg628Trp (NM_001127384.3); short protein forms R628W.
Identifiers: ClinVar variation 4810129 (VCV004810129.1).